The following is an entry in ClinVar:

ClinVar aggregate classification (germline): Uncertain significance (1 of 4 stars; one submission).

gnomAD v4.1: 7 of 1,608,698 alleles (0.00044%); highest among the groups gnomAD compares: Admixed American, 0.005%; no homozygotes.

Submission:

Labcorp Genetics (formerly Invitae), Labcorp
Classification: Uncertain significance. Last evaluated: 2025-03-31. Review status: criteria provided, single submitter. Criteria: Invitae Variant Classification Sherloc (09022015). Collection method: clinical testing. Allele origin: germline.
Comment: This sequence change falls in intron 7 of the KANK1 gene. It does not directly change the encoded amino acid sequence of the KANK1 protein. It affects a nucleotide within the consensus splice site. This variant is present in population databases (rs760027207, gnomAD 0.003%). This variant has not been reported in the literature in individuals affected with KANK1-related conditions. Variants that disrupt the consensus splice site are a relatively common cause of aberrant splicing (PMID: 17576681, 9536098). Algorithms developed to predict the effect of sequence changes on RNA splicing suggest that this variant may disrupt the consensus splice site. In summary, the available evidence is currently insufficient to determine the role of this variant in disease. Therefore, it has been classified as a Variant of Uncertain Significance.

Literature cited by the submitters: PubMed 17576681; PubMed 9536098.

NM_015158.5(KANK1):c.3333+3G>T

Gene: KANK1 (KN motif and ankyrin repeat domains 1; plus strand). Cytogenetic location: 9p24.3.
Variant type: single nucleotide variant.
Coding change: c.3333+3G>T on transcript NM_015158.5 (MANE Select); 3 bases into the intron after coding-DNA position 3333, G replaced by T.
Molecular consequence: intron variant.
Genome position (GRCh38, 1-based): chr9:734,838, G>T. VCF-style: chr9-734838-G-T. GRCh37 (hg19) VCF-style: chr9-734838-G-T.
Other names: c.3333+3G>T (NM_001256876.3, NM_001438412.1, NM_001354334.2 and 1 more transcripts); c.2859+3G>T (NM_001354333.2, NM_001354335.2, NM_001354337.2 and 2 more transcripts); c.3093+3G>T (NM_001354331.2); c.3279+3G>T (NM_001354332.2); c.2565+3G>T (NM_001354336.2, NM_001438411.1); c.2619+3G>T (NM_001354339.2, NM_001354343.2, NM_001354342.2); c.2805+3G>T (NM_001354338.2, NM_001354340.2, NM_001354344.2).
Identifiers: ClinVar variation 4707758 (VCV004707758.1).
Genomic context (GRCh38, chr9:734,838, plus strand): 5'-ATGCAACTTACTGAAAAATACTATAAATGACCCCAAAGCTTTGACCAGCAAAGATATGGT[G>T]AGTCTGACCTGCAAACACCATCCCCAGTGTGTACAAAGTGCATGAGTGGGTTCATTGTCA-3'